The following is an entry in ClinVar:

ClinVar aggregate classification (germline): Uncertain significance. Review status: criteria provided, multiple submitters, no conflicts (2 of 4 stars). 2 submissions from 2 submitters: Uncertain significance (2). Last evaluated 2025-10-29.

Allele frequency attached by ClinVar (database versions not stated): gnomAD 0.00001 and 0.00003; gnomAD exomes 0.00002 and 0.00011; ExAC 0.00003; TOPMed 0.00005; 1000 Genomes Project 30x 0.00016; 1000 Genomes Project 0.00020.
gnomAD v4.1: 165 of 1,606,484 alleles (0.01%); highest among the groups gnomAD compares: Non-Finnish European, 0.014%; no homozygotes.

Submissions (2):

Ambry Genetics
Classification: Uncertain significance. Last evaluated: 2025-10-29. Review status: criteria provided, single submitter. Criteria: Ambry Variant Classification Scheme 2023. Collection method: clinical testing. Allele origin: germline.

Labcorp Genetics (formerly Invitae), Labcorp
Classification: Uncertain significance. Last evaluated: 2024-10-22. Review status: criteria provided, single submitter. Criteria: Invitae Variant Classification Sherloc (09022015). Collection method: clinical testing. Allele origin: germline.
Comment: This sequence change replaces glycine, which is neutral and non-polar, with tryptophan, which is neutral and slightly polar, at codon 238 of the SP7 protein (p.Gly238Trp). This variant is present in population databases (rs200167223, gnomAD 0.005%). This variant has not been reported in the literature in individuals affected with SP7-related conditions. ClinVar contains an entry for this variant (Variation ID: 1522376). An algorithm developed to predict the effect of missense changes on protein structure and function (PolyPhen-2) suggests that this variant is likely to be disruptive. In summary, the available evidence is currently insufficient to determine the role of this variant in disease. Therefore, it has been classified as a Variant of Uncertain Significance.

NM_001173467.3(SP7):c.712G>T (p.Gly238Trp)

Gene: SP7 (Sp7 transcription factor; minus strand). Cytogenetic location: 12q13.13.
Variant type: single nucleotide variant.
Coding change: c.712G>T on transcript NM_001173467.3 (MANE Select); coding-DNA position 712, G replaced by T.
Protein change: p.Gly238Trp; replaces glycine 238 with tryptophan.
Molecular consequence: missense variant.
Genome position (GRCh38, 1-based): chr12:53,328,730, C>A on the plus strand (G>T on the coding strand, the complement: SP7 is on the minus strand). VCF-style: chr12-53328730-C-A. GRCh37 (hg19) VCF-style: chr12-53722514-C-A.
Other names: c.658G>T, p.Gly220Trp (NM_001300837.2); c.712G>T, p.Gly238Trp (NM_152860.2); c.712G>T (NM_001173467.1); short protein forms G238W, G220W.
Identifiers: ClinVar variation 1522376 (VCV001522376.8), dbSNP rs200167223, ClinGen allele CA6599536.